The following is an entry in ClinVar:

ClinVar aggregate classification (germline): Pathogenic/Likely pathogenic. Review status: criteria provided, multiple submitters, no conflicts (2 of 4 stars). 23 submissions from 23 submitters: Pathogenic (6); Likely pathogenic (15). 2 of the submissions do not count toward it. Last evaluated 2026-04-10.

Conditions:
Ovarian cancer. Also called: OVARIAN CANCER, SOMATIC. Identifiers: Orphanet 213500, MedGen C1140680, MONDO:0008170, OMIM 167000.
Fanconi anemia complementation group J. Also called: BRIP1-Related Fanconi Anemia. Identifiers: Orphanet 84, MedGen C1836860, MONDO:0012187, OMIM 609054.
Familial ovarian cancer. Identifiers: MedGen C5679802, MONDO:0016248.
BRIP1-related disorder. Also called: BRIP1-related condition; BRIP1-related disorders. Identifiers: MedGen CN239206.
Hereditary cancer-predisposing syndrome. Also called: Tumor predisposition; Neoplastic Syndromes, Hereditary; Hereditary Cancer Syndrome; Hereditary neoplastic syndrome. Identifiers: Orphanet 140162, MedGen C0027672, MeSH D009386, MONDO:0015356.
Familial cancer of breast. Also called: hereditary breast carcinoma; BREAST CANCER, FAMILIAL; Hereditary breast cancer. Identifiers: Orphanet 227535, MedGen C0346153, MONDO:0016419, OMIM 114480. Disease mechanism: loss of function.
Hereditary breast ovarian cancer syndrome. Also called: Hereditary breast and ovarian cancer; Hereditary breast and ovarian cancer syndrome (HBOC); Breast and ovarian cancer; Hereditary breast and/or ovarian cancer syndrome; BRCA1- and BRCA2-Associated Hereditary Breast and Ovarian Cancer; Hereditary breast and ovarian cancer syndrome. Identifiers: Orphanet 145, MedGen C0677776, MeSH D061325, MONDO:0003582. Disease mechanism: loss of function.

Allele frequency attached by ClinVar (database versions not stated): ExAC 0.00001; gnomAD exomes 0.00001; gnomAD 0.00003 and 0.00004; TOPMed 0.00005.
gnomAD v4.1: 26 of 1,613,818 alleles (0.0016%); highest among the groups gnomAD compares: African/African-American, 0.0053%; no homozygotes.

Submissions 1 to 6 of 23:

Dasa
Classification: Likely pathogenic. Last evaluated: 2026-04-10. Review status: criteria provided, single submitter. Criteria: DASA Assertion Criteria. Collection method: clinical testing. Allele origin: germline.
Comment: NM_032043.3(BRIP1):c.751C>T (p.Arg251Cys) is a missense variant that results in the substitution of arginine with cysteine. This variant has been recurrently observed in individuals with BRIP1-related disorders (PMID: 23613520; PMID: 31558676; PMID: 31586946). Functional evidence supports an impact on the gene or gene product (PMID: 23613520; PMID: 31558676; PMID: 31586946). Also, this variant is rare in population databases. Based on the currently available evidence, this variant is classified as likely pathogenic.

Ambry Genetics
Classification: Pathogenic for Hereditary cancer-predisposing syndrome. Last evaluated: 2025-12-15. Review status: criteria provided, single submitter. Criteria: Ambry Variant Classification Scheme 2023. Collection method: clinical testing. Allele origin: germline.
Comment: The p.R251C pathogenic mutation (also known as c.751C>T), located in coding exon 6 of the BRIP1 gene, results from a C to T substitution at nucleotide position 751. The arginine at codon 251 is replaced by cysteine, an amino acid with highly dissimilar properties. This alteration was reported in one individual diagnosed with Fanconi anemia along with a second alteration in BRIP1 (Chandrasekharappa SC et al. Blood 2013 May;121(22):e138-48). This alteration has been reported in 0/7636 unselected prostate cancer patients and 1/12,366 male controls of Japanese ancestry (Momozawa Y et al. J. Natl. Cancer Inst. 2019 Jun). Functional studies showed this alteration to be deficient in helicase activity, as well as DNA and ATP binding. In addition, cells expressing this alteration showed increased cell death in response to DNA damaging agents compared to wild type (Guo M et al. J. Biol. Chem. 2014 Apr;289:10551-65). Structural analysis indicates that p.R251C likely disrupts ligand binding in a functionally significant and sensitive region (Ambry internal data, He Y et al. EMBO Rep. 2010 Mar;11:180-6; He Y et al. Nature. 2016 05;533:359-65). This amino acid position is highly conserved in available vertebrate species. In addition, this alteration is predicted to be deleterious by in silico analysis. Based on the supporting evidence, this alteration is interpreted as a disease-causing mutation.

Labcorp Genetics (formerly Invitae), Labcorp
Classification: Likely pathogenic for Familial cancer of breast; Fanconi anemia complementation group J. Last evaluated: 2025-12-14. Review status: criteria provided, single submitter. Criteria: Invitae Variant Classification Sherloc (09022015). Collection method: clinical testing. Allele origin: germline.
Comment: This sequence change replaces arginine, which is basic and polar, with cysteine, which is neutral and slightly polar, at codon 251 of the BRIP1 protein (p.Arg251Cys). This variant is present in population databases (rs752309409, gnomAD 0.0009%). This missense change has been observed in individuals with breast cancer and/or Fanconi anemia (PMID: 23613520, 26556299, 27427815, 31558676, 31586946). ClinVar contains an entry for this variant (Variation ID: 185848). Invitae Evidence Modeling of protein sequence and biophysical properties (such as structural, functional, and spatial information, amino acid conservation, physicochemical variation, residue mobility, and thermodynamic stability) has been performed for this missense variant. However, the output from this modeling did not meet the statistical confidence thresholds required to predict the impact of this variant on BRIP1 protein function. Experimental studies have shown that this missense change affects BRIP1 function (PMID: 24573678, 27107905). In summary, the currently available evidence indicates that the variant is pathogenic, but additional data are needed to prove that conclusively. Therefore, this variant has been classified as Likely Pathogenic.

First Genomix Gene Laboratory, Genetic Diagnostics Department
Classification: Pathogenic for Fanconi anemia complementation group J. Last evaluated: 2025-09-04. Review status: criteria provided, single submitter. Criteria: ACMG Guidelines, 2015. Collection method: clinical testing. Allele origin: germline. Inheritance: Autosomal recessive inheritance. Affected: no. Observed: 1 variant allele.

CeGaT Center for Human Genetics Tuebingen
Classification: Likely pathogenic. Last evaluated: 2025-07-01. Review status: criteria provided, single submitter. Criteria: CeGaT Center For Human Genetics Tuebingen Variant Classification Criteria Version 2. Collection method: clinical testing. Allele origin: germline. Affected: yes. Observed: 1 variant allele.
Comment: BRIP1: PM1, PS4:Moderate, PM2:Supporting, PS3:Supporting

Color Diagnostics, LLC DBA Color Health
Classification: Likely pathogenic for Hereditary cancer-predisposing syndrome. Last evaluated: 2025-06-04. Review status: criteria provided, single submitter. Criteria: ACMG Guidelines, 2015. Collection method: clinical testing. Allele origin: germline.
Comment: This missense variant replaces arginine with cysteine at codon 251 in the helicase domain of the BRIP1 protein. Computational prediction suggests that this variant may have deleterious impact on protein structure and function. Functional studies have shown that the mutant protein shows no DNA helicase activity, reduced ATP binding activity, reduced DNA-dependent ATPase activity, and failed to complement BRIP1-null cell line (PMID: 24573678, 27107905). This variant has been reported in two homozygous individuals affected with Fanconi anemia (PMID: 27427815, 31558676), as well as in an individual affected with Fanconi anemia in compound heterozygous state with a deleterious p.His396Asp variant (PMID: 23613520) (ClinVar variation ID: 659729). In a large breast cancer case-control study, this variant has been observed in 3/60463 cases and 2/53459 controls (PMID: 33471991 - Leiden Open Variation Database DB-ID BRIP1_000010). This variant has also been reported in 2 unaffected control individuals in pancreatic and prostate cancer case-control studies and absent in affected individuals (PMID: 31214711, 32980694). This variant has been identified in 3/251170 chromosomes in the general population by the Genome Aggregation Database (gnomAD). In summary, this variant has been shown to impair BRIP1 protein function. The observation of this variant in biallelic individuals affected with autosomal recessive Fanconi anemia indicates that this variant contributes to disease. Based on the available evidence, this variant is classified as Likely Pathogenic.

NM_032043.3(BRIP1):c.751C>T (p.Arg251Cys)

Gene: BRIP1 (BRCA1 interacting DNA helicase 1; minus strand). Cytogenetic location: 17q23.2.
Variant type: single nucleotide variant.
Coding change: c.751C>T on transcript NM_032043.3 (MANE Select); coding-DNA position 751, C replaced by T.
Protein change: p.Arg251Cys; replaces arginine 251 with cysteine.
Molecular consequence: missense variant.
Genome position (GRCh38, 1-based): chr17:61,808,634, G>A on the plus strand (C>T on the coding strand, the complement: BRIP1 is on the minus strand). VCF-style: chr17-61808634-G-A. GRCh37 (hg19) VCF-style: chr17-59885995-G-A.
Other names: NP_114432.2:p.Arg251Cys; short protein forms R251C.
Identifiers: ClinVar variation 185848 (VCV000185848.53), dbSNP rs752309409, ClinGen allele CA193144.
Genomic context (GRCh38, chr17:61,808,634, plus strand): 5'-CCCCTGAATATGCCGTCCTCCGGAGCTCTCTAGTAATCTGAGCAATCTGCTTGTGTGTGC[G>A]TGTCCCAAAATATATTTTGGGTATCTTGGATTTCCCTGTATGATCCTTCTTAATGGTATT-3'
Protein context (NP_114432.2, residues 241-261): SKIPKIYFGT[Arg251Cys]THKQIAQITR